The following is an entry in ClinVar:

NM_005534.4(IFNGR2):c.227C>T (p.Thr76Met)

Gene: IFNGR2 (interferon gamma receptor 2; plus strand). Cytogenetic location: 21q22.11.
Variant type: single nucleotide variant.
Coding change: c.227C>T on transcript NM_005534.4 (MANE Select); coding-DNA position 227, C replaced by T.
Protein change: p.Thr76Met; replaces threonine 76 with methionine.
Molecular consequence: missense variant.
Genome position (GRCh38, 1-based): chr21:33,421,500, C>T. VCF-style: chr21-33421500-C-T. GRCh37 (hg19) VCF-style: chr21-34793807-C-T.
Other names: c.284C>T, p.Thr95Met (NM_001329128.2); short protein forms T95M, T76M.
Identifiers: ClinVar variation 1365078 (VCV001365078.8), dbSNP rs1208240776, ClinGen allele CA410117134.

ClinVar aggregate classification (germline): Uncertain significance (1 of 4 stars; one submission).

Conditions:
Immunodeficiency 28 (IMD28). Also called: IFNGR2 DEFICIENCY. Identifiers: Orphanet 319547, Orphanet 319574, MedGen C4013947, MONDO:0013953, OMIM 614889.

Allele frequency attached by ClinVar (database versions not stated): gnomAD exomes below 0.00001 and 0.00001; TOPMed below 0.00001.

Submission:

Labcorp Genetics (formerly Invitae), Labcorp
Classification: Uncertain significance for Immunodeficiency 28. Last evaluated: 2021-07-01. Review status: criteria provided, single submitter. Criteria: Invitae Variant Classification Sherloc (09022015). Collection method: clinical testing. Allele origin: germline.
Comment: This variant is not present in population databases (ExAC no frequency). In summary, the available evidence is currently insufficient to determine the role of this variant in disease. Therefore, it has been classified as a Variant of Uncertain Significance. Algorithms developed to predict the effect of missense changes on protein structure and function output the following: SIFT: "Tolerated"; PolyPhen-2: "Benign"; Align-GVGD: "Class C0". The methionine amino acid residue is found in multiple mammalian species, which suggests that this missense change does not adversely affect protein function. This variant has not been reported in the literature in individuals affected with IFNGR2-related conditions. This sequence change replaces threonine with methionine at codon 76 of the IFNGR2 protein (p.Thr76Met). The threonine residue is weakly conserved and there is a moderate physicochemical difference between threonine and methionine.